The following is an entry in ClinVar:

NM_001321571.2(CAMK2D):c.824G>A (p.Arg275His)

Gene: CAMK2D (calcium/calmodulin dependent protein kinase II delta; minus strand). Cytogenetic location: 4q26.
Variant type: single nucleotide variant.
Coding change: c.824G>A on transcript NM_001321571.2 (MANE Select); coding-DNA position 824, G replaced by A.
Protein change: p.Arg275His; replaces arginine 275 with histidine.
Molecular consequence: missense variant.
Genome position (GRCh38, 1-based): chr4:113,513,909, C>T on the plus strand (G>A on the coding strand, the complement: CAMK2D is on the minus strand). VCF-style: chr4-113513909-C-T. GRCh37 (hg19) VCF-style: chr4-114435065-C-T.
Other names: c.824G>A, p.Arg275His (NM_001221.4, NM_001321566.2, NM_001321567.2 and 25 more transcripts); c.236G>A, p.Arg79His (NM_001321578.2, NM_001321585.2); c.707G>A, p.Arg236His (NM_001321581.2); c.824G>A (NM_172115.2); short protein forms R236H, R275H, R79H.
Identifiers: ClinVar variation 1343378 (VCV001343378.2), dbSNP rs2511651126, ClinGen allele CA357995587.

ClinVar aggregate classification (germline): Pathogenic. Review status: criteria provided, single submitter (1 of 4 stars). 2 submissions from 2 submitters: Pathogenic (1). 1 of the submissions does not count toward it. Last evaluated 2024-10-01.

Conditions:
Neurodevelopmental disorder. Identifiers: MedGen C1535926, MeSH D065886, MONDO:0700092.

Submissions (2):

GeneDx
Classification: Pathogenic. Last evaluated: 2024-10-01. Review status: criteria provided, single submitter. Criteria: GeneDx Variant Classification Process June 2021. Collection method: clinical testing. Allele origin: germline. Affected: yes.
Comment: Segregates with disease in affected individuals from at least one family referred for genetic testing at GeneDx and in published literature (PMID: 38272033); Not observed at significant frequency in large population cohorts (gnomAD); Published functional studies demonstrate an increase in protein expression (PMID: 38272033); In silico analysis supports that this missense variant has a deleterious effect on protein structure/function; This variant is associated with the following publications: (PMID: 33057194, 35982159, 37372357, 38272033)

Laboratory of Molecular Genetics (Pr. Bezieau's lab), CHU de Nantes
Classification: Pathogenic for Neurodevelopmental disorder. Last evaluated: 2022-03-07. Review status: no assertion criteria provided. Collection method: research. Allele origin: inherited. Affected: yes. Not counted in ClinVar's aggregate classification.